The following is an entry in ClinVar:

ClinVar aggregate classification (germline): Uncertain significance (1 of 4 stars; one submission).

Allele frequency attached by ClinVar (database versions not stated): ExAC 0.00001; TOPMed 0.00001; gnomAD 0.00002.
gnomAD v4.1: 19 of 1,613,708 alleles (0.0012%); highest among the groups gnomAD compares: African/African-American, 0.0053%; no homozygotes.

Submission:

Labcorp Genetics (formerly Invitae), Labcorp
Classification: Uncertain significance. Last evaluated: 2022-03-27. Review status: criteria provided, single submitter. Criteria: Invitae Variant Classification Sherloc (09022015). Collection method: clinical testing. Allele origin: germline.
Comment: In summary, the available evidence is currently insufficient to determine the role of this variant in disease. Therefore, it has been classified as a Variant of Uncertain Significance. Algorithms developed to predict the effect of missense changes on protein structure and function output the following: SIFT: "Tolerated"; PolyPhen-2: "Benign"; Align-GVGD: "Class C0". The histidine amino acid residue is found in multiple mammalian species, which suggests that this missense change does not adversely affect protein function. This variant has not been reported in the literature in individuals affected with HSPG2-related conditions. This variant is present in population databases (rs746244241, gnomAD 0.003%). This sequence change replaces arginine, which is basic and polar, with histidine, which is basic and polar, at codon 3145 of the HSPG2 protein (p.Arg3145His).

NM_005529.7(HSPG2):c.9434G>A (p.Arg3145His)

Gene: HSPG2 (heparan sulfate proteoglycan 2; minus strand). Cytogenetic location: 1p36.12.
Variant type: single nucleotide variant.
Coding change: c.9434G>A on transcript NM_005529.7 (MANE Select); coding-DNA position 9434, G replaced by A.
Protein change: p.Arg3145His; replaces arginine 3145 with histidine.
Molecular consequence: missense variant.
Genome position (GRCh38, 1-based): chr1:21,841,180, C>T on the plus strand (G>A on the coding strand, the complement: HSPG2 is on the minus strand). VCF-style: chr1-21841180-C-T. GRCh37 (hg19) VCF-style: chr1-22167673-C-T.
Other names: c.9437G>A, p.Arg3146His (NM_001291860.2); short protein forms R3146H, R3145H.
Identifiers: ClinVar variation 1979523 (VCV001979523.3), dbSNP rs746244241, ClinGen allele CA670447.